The following is an entry in ClinVar:

NM_000065.5(C6):c.1251del (p.Glu417fs)

Gene: C6 (complement C6; minus strand). Cytogenetic location: 5p13.1.
Variant type: Deletion.
Coding change: c.1251del on transcript NM_000065.5 (MANE Select); coding-DNA position 1251, one base deleted (A; older notation c.1251delA).
Protein change: p.Glu417fs; shifts the reading frame from glutamic acid 417.
Molecular consequence: frameshift variant.
Genome position (GRCh38, 1-based): chr5:41,172,265, T deleted on the plus strand (A on the coding strand, the reverse complement: C6 is on the minus strand); the first of 2 consecutive T bases (chr5:41,172,265-41,172,266); deleting either gives the same sequence. VCF-style (leftmost placement, unchanged base first): chr5-41172264-GT-G. GRCh37 (hg19) VCF-style: chr5-41172366-GT-G.
Other names: c.1251del, p.Glu417fs (NM_001115131.4); short protein forms E417fs.
Identifiers: ClinVar variation 1452266 (VCV001452266.6), dbSNP rs2150301547, ClinGen allele CA2573139715.
Genomic context (GRCh38, chr5:41,172,264, plus strand): 5'-GCTAAGAGAGAGTACTGTTACCTTCATGTTTCTCTGACAGCTTGTTGGTGGTGCACCTAT[GT>G]TCCACTTTTGTTTTCTTAGCAAATAAAACGCGTTTCTTTGTTTCAATCCTGACACAGTGT-3'

ClinVar aggregate classification (germline): Pathogenic (1 of 4 stars; one submission).

Submission:

Labcorp Genetics (formerly Invitae), Labcorp
Classification: Pathogenic. Last evaluated: 2021-08-24. Review status: criteria provided, single submitter. Criteria: Invitae Variant Classification Sherloc (09022015). Collection method: clinical testing. Allele origin: germline.
Comment: For these reasons, this variant has been classified as Pathogenic. This variant has not been reported in the literature in individuals affected with C6-related conditions. This variant is not present in population databases (ExAC no frequency). This sequence change creates a premature translational stop signal (p.Glu417Aspfs*27) in the C6 gene. It is expected to result in an absent or disrupted protein product. Loss-of-function variants in C6 are known to be pathogenic (PMID: 17257682).

Literature cited by the submitters: PubMed 17257682.